The following is an entry in ClinVar:

NM_015512.5(DNAH1):c.10317C>T (p.Ile3439=)

Gene: DNAH1 (dynein axonemal heavy chain 1; plus strand). Cytogenetic location: 3p21.1.
Variant type: single nucleotide variant.
Coding change: c.10317C>T on transcript NM_015512.5 (MANE Select); coding-DNA position 10317, C replaced by T.
Protein change: p.Ile3439=; no amino-acid change (isoleucine 3439 retained).
Molecular consequence: synonymous variant.
Genome position (GRCh38, 1-based): chr3:52,392,868, C>T. VCF-style: chr3-52392868-C-T. GRCh37 (hg19) VCF-style: chr3-52426884-C-T.
Other names: p.Ile3439=.
Identifiers: ClinVar variation 478382 (VCV000478382.14), dbSNP rs419050, ClinGen allele CA2435799.

ClinVar aggregate classification (germline): Benign/Likely benign. Review status: criteria provided, multiple submitters, no conflicts (2 of 4 stars). 4 submissions from 4 submitters: Benign (2); Likely benign (2). Last evaluated 2026-02-04.

Conditions:
Spermatogenic failure 18. Identifiers: MedGen C4539783, MONDO:0054615, OMIM 617576.
Ciliary dyskinesia, primary, 37 (CILD37). Also called: CILIARY DYSKINESIA, PRIMARY, 37, WITH OR WITHOUT SITUS INVERSUS. Identifiers: MedGen C4539798, MONDO:0033204, OMIM 617577.

Allele frequency attached by ClinVar (database versions not stated): 1000 Genomes Project 30x 0.02936; 1000 Genomes Project 0.02995; gnomAD 0.03434; ESP Exome Variant Server 0.03923; TOPMed 0.03946.
gnomAD v4.1: 71,818 of 1,608,620 alleles (4.5%); highest among the groups gnomAD compares: Non-Finnish European, 5%; 1,787 homozygotes.

Submissions (4):

Labcorp Genetics (formerly Invitae), Labcorp
Classification: Benign for Ciliary dyskinesia, primary, 37; Spermatogenic failure 18. Last evaluated: 2026-02-04. Review status: criteria provided, single submitter. Criteria: Invitae Variant Classification Sherloc (09022015). Collection method: clinical testing. Allele origin: germline.

Mayo Clinic Laboratories, Mayo Clinic
Classification: Benign. Last evaluated: 2023-04-25. Review status: criteria provided, single submitter. Criteria: ACMG Guidelines, 2015. Collection method: clinical testing. Allele origin: germline. Observed: 16 variant alleles.
Comment: BA1, BP4, BP7

GeneDx
Classification: Likely benign. Last evaluated: 2018-07-09. Review status: criteria provided, single submitter. Criteria: GeneDx Variant Classification Process June 2021. Collection method: clinical testing. Allele origin: germline. Affected: yes.

Breakthrough Genomics
Classification: Likely benign. Review status: criteria provided, single submitter. Criteria: ACMG Guidelines, 2015. Collection method: not provided. Allele origin: germline. Inheritance: Autosomal recessive inheritance. Affected: yes.